The following is an entry in ClinVar:

NM_001211.6(BUB1B):c.655T>C (p.Ser219Pro)

Gene: BUB1B (BUB1 mitotic checkpoint serine/threonine kinase B; plus strand). Cytogenetic location: 15q15.1.
Variant type: single nucleotide variant.
Coding change: c.655T>C on transcript NM_001211.6 (MANE Select); coding-DNA position 655, T replaced by C.
Protein change: p.Ser219Pro; replaces serine 219 with proline.
Molecular consequence: missense variant.
Genome position (GRCh38, 1-based): chr15:40,183,787, T>C. VCF-style: chr15-40183787-T-C. GRCh37 (hg19) VCF-style: chr15-40475988-T-C.
Other names: short protein forms S219P.
Identifiers: ClinVar variation 997487 (VCV000997487.4), dbSNP rs893191577, ClinGen allele CA268782604.

ClinVar aggregate classification (germline): Uncertain significance. Review status: criteria provided, multiple submitters, no conflicts (2 of 4 stars). 2 submissions from 2 submitters: Uncertain significance (2). Last evaluated 2025-10-21.

Conditions:
Mosaic variegated aneuploidy syndrome 1 (MVA1). Also called: Warburton-Anyane-Yeboa syndrome. Identifiers: Orphanet 1052, MedGen C1850343, MONDO:0009759, OMIM 257300.
Inborn genetic diseases. Identifiers: MedGen C0950123, MeSH D030342.

Allele frequency attached by ClinVar (database versions not stated): TOPMed below 0.00001; gnomAD 0.00001.

Submissions (2):

Ambry Genetics
Classification: Uncertain significance for Inborn genetic diseases. Last evaluated: 2025-10-21. Review status: criteria provided, single submitter. Criteria: Ambry Variant Classification Scheme 2023. Collection method: clinical testing. Allele origin: germline.

Baylor Genetics
Classification: Uncertain significance for Mosaic variegated aneuploidy syndrome 1. Last evaluated: 2018-11-18. Review status: criteria provided, single submitter. Criteria: ACMG Guidelines, 2015. Collection method: clinical testing. Allele origin: unknown. Affected: yes. Study: CSER-TexasKidsCanSeq.
Comment: This variant was determined to be of uncertain significance according to ACMG Guidelines, 2015 [PMID:25741868].